The following is an entry in ClinVar:

NM_001370259.2(MEN1):c.1351-3_1359del

Gene: MEN1 (menin 1; minus strand). Cytogenetic location: 11q13.1.
Variant type: Deletion.
Coding change: c.1351-3_1359del on transcript NM_001370259.2 (MANE Select); 3 bases into the intron before coding-DNA position 1351 through coding-DNA position 1359, 12 bases deleted (CAGGTGCGGCAG).
Molecular consequence: splice acceptor variant.
Genome position (GRCh38, 1-based): chr11:64,804,808-64,804,819, CTGCCGCACCTG deleted on the plus strand (CAGGTGCGGCAG on the coding strand, the reverse complement: MEN1 is on the minus strand). VCF-style (leftmost placement, unchanged base first): chr11-64804807-TCTGCCGCACCTG-T. GRCh37 (hg19) VCF-style: chr11-64572279-TCTGCCGCACCTG-T.
Other names: c.1366-3_1374del (NM_130804.3, NM_130803.3, NM_000244.4 and 3 more transcripts); c.1351-3_1359del (NM_130799.3, NM_001370260.2, NM_001370261.2); c.1477-3_1485del (NM_001370251.2); c.1246-3_1254del (NM_001370263.2, NM_001370262.2).
Identifiers: ClinVar variation 1066873 (VCV001066873.14), dbSNP rs2136094253, ClinGen allele CA2499221144.

ClinVar aggregate classification (germline): Pathogenic/Likely pathogenic. Review status: criteria provided, multiple submitters, no conflicts (2 of 4 stars). 2 submissions from 2 submitters: Pathogenic (1); Likely pathogenic (1). Last evaluated 2023-10-03.

Conditions:
Multiple endocrine neoplasia, type 1 (MEN1). Also called: MEN I; WERMER SYNDROME; Endocrine adenomatosis multiple; MEN 1; MEA I. Identifiers: Orphanet 652, MedGen C0025267, MeSH D018761, MONDO:0007540, OMIM 131100.

Submissions (2):

Labcorp Genetics (formerly Invitae), Labcorp
Classification: Pathogenic for Multiple endocrine neoplasia, type 1. Last evaluated: 2023-10-03. Review status: criteria provided, single submitter. Criteria: Invitae Variant Classification Sherloc (09022015). Collection method: clinical testing. Allele origin: germline.
Comment: This variant results in the deletion of c.1351-3_1359del of the MEN1 gene. While this variant is not anticipated to result in nonsense mediated decay, it likely alters RNA splicing and results in a disrupted protein product. This variant is not present in population databases (gnomAD no frequency). This variant has been observed in individual(s) with multiple endocrine neoplasia type 1 (PMID: 15714081). This variant is also known as Deletion CAGGTGCGGCAG . ClinVar contains an entry for this variant (Variation ID: 1066873). Variants that disrupt the consensus splice site are a relatively common cause of aberrant splicing (PMID: 17576681, 9536098). This variant disrupts a region of the MEN1 protein in which other variant(s) (p.Arg452Pro) have been determined to be pathogenic (PMID: 29036195; Invitae). This suggests that this is a clinically significant region of the protein, and that variants that disrupt it are likely to be disease-causing. For these reasons, this variant has been classified as Pathogenic.

ARUP Laboratories, Molecular Genetics and Genomics, ARUP Laboratories
Classification: Likely pathogenic. Last evaluated: 2021-05-18. Review status: criteria provided, single submitter. Criteria: ARUP Molecular Germline Variant Investigation Process 2021. Collection method: clinical testing. Allele origin: germline.
Comment: The MEN1 c.1351-3_1359del; p.? variant is reported in the literature in at least one family affected with multiple endocrine neoplasia type 1 (Klein 2005). This variant is also reported in ClinVar (Variation ID: 1066873), and is absent from the Genome Aggregation Database, indicating it is not a common polymorphism. This variant deletes the canonical splice acceptor site of intron 9 and part of exon 10, which is likely to negatively impact gene function. Additionally, similar deletions of this splice site are reported in individuals and families affected with multiple endocrine neoplasia type 1 (Cardinal 2005, Jager 2006). Based on available information, this variant is considered to be likely pathogenic. References: Cardinal JW et al. A report of a national mutation testing service for the MEN1 gene: clinical presentations and implications for mutation testing. J Med Genet. 2005 Jan;42(1):69-74. PMID: 15635078. Jager AC et al. Characteristics of the Danish families with multiple endocrine neoplasia type 1. Mol Cell Endocrinol. 2006 Apr 25;249(1-2):123-32. PMID: 16563611. Klein RD et al. Clinical testing for multiple endocrine neoplasia type 1 in a DNA diagnostic laboratory. Genet Med. 2005 Feb;7(2):131-8. PMID: 15714081.

Literature cited by the submitters: PubMed 15714081 (cited by Labcorp Genetics (formerly Invitae), Labcorp); PubMed 17576681 (cited by Labcorp Genetics (formerly Invitae), Labcorp); PubMed 9536098 (cited by Labcorp Genetics (formerly Invitae), Labcorp); PubMed 29036195 (cited by Labcorp Genetics (formerly Invitae), Labcorp).